The following is an entry in ClinVar:

ClinVar aggregate classification (germline): Uncertain significance. Review status: criteria provided, multiple submitters, no conflicts (2 of 4 stars). 2 submissions from 2 submitters: Uncertain significance (2). Last evaluated 2025-10-28.

Conditions:
Hereditary cancer-predisposing syndrome. Also called: Hereditary neoplastic syndrome; Neoplastic Syndromes, Hereditary; Hereditary Cancer Syndrome; Tumor predisposition. Identifiers: Orphanet 140162, MedGen C0027672, MeSH D009386, MONDO:0015356.
Gastrointestinal stromal tumor. Also called: Gastrointestinal stromal tumor, somatic; Gastrointestinal stroma tumor. Identifiers: Orphanet 44890, MedGen C0238198, MeSH D046152, MONDO:0011719, OMIM 606764, HP:0100723.

Allele frequency attached by ClinVar (database versions not stated): gnomAD exomes below 0.00001; TOPMed below 0.00001; gnomAD 0.00001.
gnomAD v4.1: 4 of 1,608,380 alleles (0.00025%); highest among the groups gnomAD compares: Non-Finnish European, 0.00034%; no homozygotes.

Submissions (2):

Ambry Genetics
Classification: Uncertain significance for Hereditary cancer-predisposing syndrome. Last evaluated: 2025-10-28. Review status: criteria provided, single submitter. Criteria: Ambry Variant Classification Scheme 2023. Collection method: clinical testing. Allele origin: germline.
Comment: The p.E399D variant (also known as c.1197A>T), located in coding exon 7 of the PDGFRA gene, results from an A to T substitution at nucleotide position 1197. The glutamic acid at codon 399 is replaced by aspartic acid, an amino acid with highly similar properties. This amino acid position is conserved. In addition, this alteration is predicted to be tolerated by in silico analysis. Since supporting evidence is limited at this time, the clinical significance of this alteration remains unclear.

Labcorp Genetics (formerly Invitae), Labcorp
Classification: Uncertain significance for Gastrointestinal stromal tumor. Last evaluated: 2024-12-10. Review status: criteria provided, single submitter. Criteria: Invitae Variant Classification Sherloc (09022015). Collection method: clinical testing. Allele origin: germline.
Comment: This sequence change replaces glutamic acid, which is acidic and polar, with aspartic acid, which is acidic and polar, at codon 399 of the PDGFRA protein (p.Glu399Asp). This variant is not present in population databases (gnomAD no frequency). This variant has not been reported in the literature in individuals affected with PDGFRA-related conditions. ClinVar contains an entry for this variant (Variation ID: 571470). Invitae Evidence Modeling of protein sequence and biophysical properties (such as structural, functional, and spatial information, amino acid conservation, physicochemical variation, residue mobility, and thermodynamic stability) indicates that this missense variant is not expected to disrupt PDGFRA protein function with a negative predictive value of 80%. In summary, the available evidence is currently insufficient to determine the role of this variant in disease. Therefore, it has been classified as a Variant of Uncertain Significance.

NM_006206.6(PDGFRA):c.1197A>T (p.Glu399Asp)

Gene: PDGFRA (platelet derived growth factor receptor alpha; plus strand). Cytogenetic location: 4q12.
Variant type: single nucleotide variant.
Coding change: c.1197A>T on transcript NM_006206.6 (MANE Select); coding-DNA position 1197, A replaced by T.
Protein change: p.Glu399Asp; replaces glutamic acid 399 with aspartic acid.
Molecular consequence: missense variant.
Genome position (GRCh38, 1-based): chr4:54,270,708, A>T. VCF-style: chr4-54270708-A-T. GRCh37 (hg19) VCF-style: chr4-55136875-A-T.
Other names: c.1197A>T, p.Glu399Asp (NM_001347827.2, NM_001347829.2); c.1272A>T, p.Glu424Asp (NM_001347828.2); c.1236A>T, p.Glu412Asp (NM_001347830.2); short protein forms E399D, E424D, E412D.
Identifiers: ClinVar variation 571470 (VCV000571470.11), dbSNP rs1429740752, ClinGen allele CA356892033.